The following is an entry in ClinVar:

NM_014384.3(ACAD8):c.110-174A>G

Gene: ACAD8 (acyl-CoA dehydrogenase family member 8; plus strand). Cytogenetic location: 11q25.
Variant type: single nucleotide variant.
Coding change: c.110-174A>G on transcript NM_014384.3 (MANE Select); 174 bases into the intron before coding-DNA position 110, A replaced by G.
Molecular consequence: intron variant.
Genome position (GRCh38, 1-based): chr11:134,256,374, A>G. VCF-style: chr11-134256374-A-G. GRCh37 (hg19) VCF-style: chr11-134126268-A-G.
Identifiers: ClinVar variation 673123 (VCV000673123.1), dbSNP rs35141157, ClinGen allele CA13495946.

ClinVar aggregate classification (germline): Likely benign (1 of 4 stars; one submission).

Allele frequency attached by ClinVar (database versions not stated): 1000 Genomes Project 30x 0.02858; 1000 Genomes Project 0.02875; TOPMed 0.03517; gnomAD 0.03751 and 0.03868.

Submission:

GeneDx
Classification: Likely benign. Last evaluated: 2018-06-14. Review status: criteria provided, single submitter. Criteria: GeneDx Variant Classification (06012015). Collection method: clinical testing. Allele origin: germline. Affected: yes.
Comment: This variant is considered likely benign or benign based on one or more of the following criteria: it is a conservative change, it occurs at a poorly conserved position in the protein, it is predicted to be benign by multiple in silico algorithms, and/or has population frequency not consistent with disease.